The following is an entry in ClinVar:

ClinVar aggregate classification (germline): Uncertain significance. Review status: criteria provided, multiple submitters, no conflicts (2 of 4 stars). 2 submissions from 2 submitters: Uncertain significance (2). Last evaluated 2023-06-16.

Conditions:
Idiopathic generalized epilepsy. Also called: Generalised epilepsy; EIG. Identifiers: MedGen C0270850, MONDO:0005579, OMIM 600669.
Hyperaldosteronism, familial, type IV (HALD4). Also called: FH IV; ALDOSTERONISM, PRIMARY, AND HYPERTENSION. Identifiers: Orphanet 642671, MedGen C4310756, MONDO:0014875, OMIM 617027.

gnomAD v4.1: 2 of 1,612,354 alleles (0.00012%); highest among the groups gnomAD compares: Admixed American, 0.0017%; no homozygotes.

Submissions (2):

Labcorp Genetics (formerly Invitae), Labcorp
Classification: Uncertain significance for Idiopathic generalized epilepsy; Hyperaldosteronism, familial, type IV. Last evaluated: 2023-06-16. Review status: criteria provided, single submitter. Criteria: Invitae Variant Classification Sherloc (09022015). Collection method: clinical testing. Allele origin: germline.
Comment: In summary, the available evidence is currently insufficient to determine the role of this variant in disease. Therefore, it has been classified as a Variant of Uncertain Significance. Advanced modeling of protein sequence and biophysical properties (such as structural, functional, and spatial information, amino acid conservation, physicochemical variation, residue mobility, and thermodynamic stability) performed at Invitae indicates that this missense variant is expected to disrupt CACNA1H protein function. ClinVar contains an entry for this variant (Variation ID: 994573). This variant has not been reported in the literature in individuals affected with CACNA1H-related conditions. This variant is not present in population databases (gnomAD no frequency). This sequence change replaces valine, which is neutral and non-polar, with leucine, which is neutral and non-polar, at codon 213 of the CACNA1H protein (p.Val213Leu).

Athena Diagnostics
Classification: Uncertain significance. Last evaluated: 2020-07-17. Review status: criteria provided, single submitter. Criteria: Athena Diagnostics Criteria. Collection method: clinical testing. Allele origin: unknown.

NM_021098.3(CACNA1H):c.637G>T (p.Val213Leu)

Gene: CACNA1H (calcium voltage-gated channel subunit alpha1 H; plus strand). Cytogenetic location: 16p13.3.
Variant type: single nucleotide variant.
Coding change: c.637G>T on transcript NM_021098.3 (MANE Select); coding-DNA position 637, G replaced by T.
Protein change: p.Val213Leu; replaces valine 213 with leucine.
Molecular consequence: missense variant.
Genome position (GRCh38, 1-based): chr16:1,196,017, G>T. VCF-style: chr16-1196017-G-T. GRCh37 (hg19) VCF-style: chr16-1246017-G-T.
Other names: c.637G>T, p.Val213Leu (NM_001005407.2); short protein forms V213L.
Identifiers: ClinVar variation 994573 (VCV000994573.4), dbSNP rs772154386, ClinGen allele CA394153588.